The following is an entry in ClinVar:

ClinVar aggregate classification (germline): not provided. Review status: no classification provided (0 of 4 stars). 2 submissions from 2 submitters: not provided (2).

Conditions:
Familial hemiplegic migraine. Identifiers: MedGen C0338484, MONDO:0000700.
Migraine, familial hemiplegic, 1. Also called: MIGRAINE, FAMILIAL HEMIPLEGIC 1, WITH PROGRESSIVE CEREBELLAR ATAXIA. Identifiers: Orphanet 569, MedGen C1832884, MONDO:0020756, OMIM 141500, MONDO:0007714.

Submissions (2):

GeneReviews
No classification provided. Condition: Familial hemiplegic migraine. Review status: no classification provided. Collection method: literature only. Allele origin: germline.
Comment: Lowest frequency (64%) of attacks of hemiplegic migraine

UniProtKB/Swiss-Prot
No classification provided. Condition: Familial hemiplegic migraine type 1. Review status: no classification provided. Collection method: not provided. Allele origin: not provided.
Comment: Subjects affected by hemiplegic migraine with cerebellar signs

Literature cited by the submitters: PubMed 11439943 (cited by GeneReviews); PubMed 20301562 (cited by GeneReviews).

NM_001127222.2(CACNA1A):c.2142C>G (p.Asp714Glu)

Gene: CACNA1A (calcium voltage-gated channel subunit alpha1 A; minus strand). Cytogenetic location: 19p13.13.
Variant type: single nucleotide variant.
Coding change: c.2142C>G on transcript NM_001127222.2 (MANE Select); coding-DNA position 2142, C replaced by G.
Protein change: p.Asp714Glu; replaces aspartic acid 714 with glutamic acid.
Molecular consequence: missense variant.
Genome position (GRCh38, 1-based): chr19:13,303,576, G>C on the plus strand (C>G on the coding strand, the complement: CACNA1A is on the minus strand). VCF-style: chr19-13303576-G-C. GRCh37 (hg19) VCF-style: chr19-13414390-G-C.
Other names: c.2145C>G, p.Asp715Glu (NM_000068.4, NM_001127221.2, NM_001174080.2 and 1 more transcripts); short protein forms D715E, D714E.
Identifiers: ClinVar variation 68423 (VCV000068423.3), dbSNP rs121908218, ClinGen allele CA266040.